The following is an entry in ClinVar:

NM_017636.4(TRPM4):c.1001G>A (p.Arg334Gln)

Gene: TRPM4 (transient receptor potential cation channel subfamily M member 4; plus strand). Cytogenetic location: 19q13.33.
Variant type: single nucleotide variant.
Coding change: c.1001G>A on transcript NM_017636.4 (MANE Select); coding-DNA position 1001, G replaced by A.
Protein change: p.Arg334Gln; replaces arginine 334 with glutamine.
Molecular consequence: missense variant. On other transcripts: 5 prime UTR variant (1).
Genome position (GRCh38, 1-based): chr19:49,171,720, G>A. VCF-style: chr19-49171720-G-A. GRCh37 (hg19) VCF-style: chr19-49674977-G-A.
Other names: c.1001G>A, p.Arg334Gln (NM_001195227.2); c.656G>A, p.Arg219Gln (NM_001321281.2); c.-553G>A (NM_001321282.2); c.479G>A, p.Arg160Gln (NM_001321283.2); c.152G>A, p.Arg51Gln (NM_001321285.2); short protein forms R51Q, R160Q, R334Q, R219Q.
Identifiers: ClinVar variation 3811032 (VCV003811032.1).

ClinVar aggregate classification (germline): Uncertain significance (1 of 4 stars; one submission).

Conditions:
Cardiovascular phenotype. Identifiers: MedGen CN230736.

gnomAD v4.1: 11 of 1,613,230 alleles (0.00068%); highest among the groups gnomAD compares: African/African-American, 0.0027%; no homozygotes.

Submission:

Ambry Genetics
Classification: Uncertain significance for Cardiovascular phenotype. Last evaluated: 2025-01-19. Review status: criteria provided, single submitter. Criteria: Ambry Variant Classification Scheme 2023. Collection method: clinical testing. Allele origin: germline.
Comment: The p.R334Q variant (also known as c.1001G>A), located in coding exon 8 of the TRPM4 gene, results from a G to A substitution at nucleotide position 1001. The arginine at codon 334 is replaced by glutamine, an amino acid with highly similar properties. This amino acid position is conserved. In addition, this alteration is predicted to be tolerated by in silico analysis. Based on the available evidence, the clinical significance of this variant remains unclear.